The following is an entry in ClinVar:

NM_000424.4(KRT5):c.*253C>T

Gene: KRT5 (keratin 5; minus strand). Cytogenetic location: 12q13.13.
Variant type: single nucleotide variant.
Coding change: c.*253C>T on transcript NM_000424.4 (MANE Select); 253 bases downstream of the stop codon, C replaced by T.
Molecular consequence: 3 prime UTR variant.
Genome position (GRCh38, 1-based): chr12:52,514,689, G>A on the plus strand (C>T on the coding strand, the complement: KRT5 is on the minus strand). VCF-style: chr12-52514689-G-A. GRCh37 (hg19) VCF-style: chr12-52908473-G-A.
Identifiers: ClinVar variation 309550 (VCV000309550.6), dbSNP rs6603, ClinGen allele CA10641870.

ClinVar aggregate classification (germline): Benign. Review status: criteria provided, multiple submitters, no conflicts (2 of 4 stars). 2 submissions from 2 submitters: Benign (2). Last evaluated 2018-01-13.

Conditions:
Epidermolysis bullosa simplex. Also called: Epidermolysis bullosa simplex, Weber-Cockayne type (subtype); Epidermolysis bullosa simplex, Dowling-Meara type (subtype); Epidermolysis bullosa simplex with mottled pigmentation (subtype). Identifiers: Orphanet 304, MedGen C0079298, MONDO:0017610.

Allele frequency attached by ClinVar (database versions not stated): gnomAD exomes 0.12094; gnomAD 0.14904 and 0.15324; 1000 Genomes Project 0.12919; 1000 Genomes Project 30x 0.13086; TOPMed 0.15421.
gnomAD v4.1: 64,078 of 490,176 alleles (13%); highest among the groups gnomAD compares: African/African-American, 18%; 4,753 homozygotes.

Submissions (2):

Illumina Laboratory Services, Illumina
Classification: Benign for Epidermolysis bullosa simplex. Last evaluated: 2018-01-13. Review status: criteria provided, single submitter. Criteria: ICSL Variant Classification Criteria 13 December 2019. Collection method: clinical testing. Allele origin: germline.
Comment: This variant was observed in the ICSL laboratory as part of a predisposition screen in an ostensibly healthy population. It had not been previously curated by ICSL or reported in the Human Gene Mutation Database (HGMD: prior to June 1st, 2018), and was therefore a candidate for classification through an automated scoring system. Utilizing variant allele frequency, disease prevalence and penetrance estimates, and inheritance mode, an automated score was calculated to assess if this variant is too frequent to cause the disease. Based on the score and internal cut-off values, a variant classified as benign is not then subjected to further curation. The score for this variant resulted in a classification of benign for this disease.

Breakthrough Genomics
Classification: Benign. Review status: criteria provided, single submitter. Criteria: ACMG Guidelines, 2015. Collection method: not provided. Allele origin: germline. Inheritance: Autosomal recessive inheritance. Affected: yes.